The following is an entry in ClinVar:

ClinVar aggregate classification (germline): Uncertain significance (1 of 4 stars; one submission).

Submission:

Labcorp Genetics (formerly Invitae), Labcorp
Classification: Uncertain significance. Last evaluated: 2025-03-31. Review status: criteria provided, single submitter. Criteria: Invitae Variant Classification Sherloc (09022015). Collection method: clinical testing. Allele origin: germline.
Comment: This sequence change replaces serine, which is neutral and polar, with phenylalanine, which is neutral and non-polar, at codon 2205 of the PRPF8 protein (p.Ser2205Phe). This variant is not present in population databases (gnomAD no frequency). This variant has not been reported in the literature in individuals affected with PRPF8-related conditions. Invitae Evidence Modeling of protein sequence and biophysical properties (such as structural, functional, and spatial information, amino acid conservation, physicochemical variation, residue mobility, and thermodynamic stability) indicates that this missense variant is not expected to disrupt PRPF8 protein function with a negative predictive value of 80%. In summary, the available evidence is currently insufficient to determine the role of this variant in disease. Therefore, it has been classified as a Variant of Uncertain Significance.

NM_006445.4(PRPF8):c.6614C>T (p.Ser2205Phe)

Gene: PRPF8 (pre-mRNA processing factor 8; minus strand). Cytogenetic location: 17p13.3.
Variant type: single nucleotide variant.
Coding change: c.6614C>T on transcript NM_006445.4 (MANE Select); coding-DNA position 6614, C replaced by T.
Protein change: p.Ser2205Phe; replaces serine 2205 with phenylalanine.
Molecular consequence: missense variant.
Genome position (GRCh38, 1-based): chr17:1,651,450, G>A on the plus strand (C>T on the coding strand, the complement: PRPF8 is on the minus strand). VCF-style: chr17-1651450-G-A. GRCh37 (hg19) VCF-style: chr17-1554744-G-A.
Other names: short protein forms S2205F.
Identifiers: ClinVar variation 3637796 (VCV003637796.2).